The following is an entry in ClinVar:

ClinVar aggregate classification (germline): Pathogenic/Likely pathogenic. Review status: criteria provided, multiple submitters, no conflicts (2 of 4 stars). 2 submissions from 2 submitters: Pathogenic (1); Likely pathogenic (1). Last evaluated 2024-05-22.

Conditions:
Pontocerebellar hypoplasia type 1B. Also called: EXOSC3 Pontocerebellar Hypoplasia. Identifiers: Orphanet 2254, MedGen C3553449, MONDO:0013853, OMIM 614678.

Submissions (2):

Fulgent Genetics
Classification: Likely pathogenic for Pontocerebellar hypoplasia type 1B. Last evaluated: 2024-05-22. Review status: criteria provided, single submitter. Criteria: ACMG Guidelines, 2015. Collection method: clinical testing. Allele origin: germline.

Labcorp Genetics (formerly Invitae), Labcorp
Classification: Pathogenic for Pontocerebellar hypoplasia type 1B. Last evaluated: 2023-08-29. Review status: criteria provided, single submitter. Criteria: Invitae Variant Classification Sherloc (09022015). Collection method: clinical testing. Allele origin: germline.
Comment: This sequence change creates a premature translational stop signal (p.Asn56Serfs*66) in the EXOSC3 gene. It is expected to result in an absent or disrupted protein product. Loss-of-function variants in EXOSC3 are known to be pathogenic (PMID: 22544365, 23284067, 24524299). This variant is present in population databases (no rsID available, gnomAD 0.003%). For these reasons, this variant has been classified as Pathogenic. This variant has not been reported in the literature in individuals affected with EXOSC3-related conditions.

Literature cited by the submitters: PubMed 22544365 (cited by Labcorp Genetics (formerly Invitae), Labcorp); PubMed 23284067 (cited by Labcorp Genetics (formerly Invitae), Labcorp); PubMed 24524299 (cited by Labcorp Genetics (formerly Invitae), Labcorp).

NM_016042.4(EXOSC3):c.167_174del (p.Asn56fs)

Gene: EXOSC3 (exosome component 3; minus strand). Cytogenetic location: 9p13.2.
Variant type: Deletion.
Coding change: c.167_174del on transcript NM_016042.4 (MANE Select); coding-DNA positions 167 to 174, 8 bases deleted (ATGCTAGA; older notation c.167_174delATGCTAGA).
Protein change: p.Asn56fs; shifts the reading frame from asparagine 56.
Molecular consequence: frameshift variant.
Genome position (GRCh38, 1-based): chr9:37,784,871-37,784,878, TCTAGCAT deleted on the plus strand (ATGCTAGA on the coding strand, the reverse complement: EXOSC3 is on the minus strand); deleting any 8 consecutive bases within chr9:37,784,871-37,784,880 gives the same sequence; the c. name uses the placement nearest the transcript's 3' end. VCF-style (leftmost placement, unchanged base first): chr9-37784870-CTCTAGCAT-C. GRCh37 (hg19) VCF-style: chr9-37784867-CTCTAGCAT-C.
Other names: c.167_174del, p.Asn56fs (NM_001002269.2); short protein forms N56fs.
Identifiers: ClinVar variation 3003295 (VCV003003295.5), dbSNP rs1398939540, ClinGen allele CA588147846.